The following is an entry in ClinVar:

NM_004364.5(CEBPA):c.296del (p.Gly99fs)

Gene: CEBPA (CCAAT enhancer binding protein alpha; minus strand). Cytogenetic location: 19q13.11.
Variant type: Deletion.
Coding change: c.296del on transcript NM_004364.5 (MANE Select); coding-DNA position 296, one base deleted (G; older notation c.296delG).
Protein change: p.Gly99fs; shifts the reading frame from glycine 99.
Molecular consequence: frameshift variant. On other transcripts: 5 prime UTR variant (1).
Genome position (GRCh38, 1-based): chr19:33,302,119, C deleted on the plus strand (G on the coding strand, the reverse complement: CEBPA is on the minus strand); the first of 3 consecutive C bases (chr19:33,302,119-33,302,121); deleting any one gives the same sequence. VCF-style (leftmost placement, unchanged base first): chr19-33302118-GC-G. GRCh37 (hg19) VCF-style: chr19-33793024-GC-G.
Other names: c.-62del (NM_001285829.2); c.401del, p.Gly134fs (NM_001287424.2); c.254del, p.Gly85fs (NM_001287435.2); c.296delG (NM_004364.3); short protein forms G85fs, G134fs, G99fs.
Identifiers: ClinVar variation 3831176 (VCV003831176.1).

ClinVar aggregate classification (germline): Uncertain significance (1 of 4 stars; one submission).

Conditions:
Inborn genetic diseases. Identifiers: MedGen C0950123, MeSH D030342.

Submission:

Ambry Genetics
Classification: Uncertain significance for Inborn genetic diseases. Last evaluated: 2025-01-28. Review status: criteria provided, single submitter. Criteria: Ambry Variant Classification Scheme 2023. Collection method: clinical testing. Allele origin: germline.
Comment: The c.296delG variant, located in coding exon 1 of the CEBPA gene, results from a deletion of one nucleotide at nucleotide position 296, causing a translational frameshift with a predicted alternate stop codon (p.G99Afs*61). Frameshift variants are typically deleterious in nature; however, because CEBPA is a single-exon gene, this alteration is not expected to trigger nonsense-mediated mRNA decay and an altered protein could still be expressed (Maquat LE. Nat Rev Mol Cell Biol, 2004 Feb;5:89-99). Instead, this variant is predicted to disrupt the production of the full-length protein (p42), while preserving the translation of the shorter p30 isoform, which is reported to function as a dominant-negative allele (Pabst T et al. Nat Genet, 2001 Mar;27:263-70). Multiple individuals diagnosed with acute myelogenous leukemia have been reported to carry this alteration (Fenwarth L et al. Haematologica, 2021 Mar;106:908-912; Vonk CM et al. Hemasphere, 2024 Aug;8:e141; Hogg G et al. Cancer Genet, 2023 Nov;278-279:38-49). Based on the available evidence, the clinical significance of this variant remains unclear.

Literature cited by the submitters: PubMed 32554555; PubMed 37586297; PubMed 39148661.